The following is an entry in ClinVar:

ClinVar aggregate classification (germline): Pathogenic (1 of 4 stars; one submission).

Conditions:
Primary ciliary dyskinesia. Also called: Ciliary dyskinesia. Identifiers: Orphanet 244, MedGen C0008780, MONDO:0016575, HP:0012265.

Submission:

Labcorp Genetics (formerly Invitae), Labcorp
Classification: Pathogenic for Primary ciliary dyskinesia. Last evaluated: 2023-11-17. Review status: criteria provided, single submitter. Criteria: Invitae Variant Classification Sherloc (09022015). Collection method: clinical testing. Allele origin: germline.
Comment: This sequence change creates a premature translational stop signal (p.Cys94Trpfs*21) in the RPGR gene. It is expected to result in an absent or disrupted protein product. Loss-of-function variants in RPGR are known to be pathogenic (PMID: 16055928, 16969763). This variant is not present in population databases (gnomAD no frequency). This variant has not been reported in the literature in individuals affected with RPGR-related conditions. For these reasons, this variant has been classified as Pathogenic.

Literature cited by the submitters: PubMed 16055928; PubMed 16969763.

NM_001034853.2(RPGR):c.282_283del (p.Cys94fs)

Gene: RPGR (retinitis pigmentosa GTPase regulator; minus strand). Cytogenetic location: Xp11.4.
Variant type: Microsatellite.
Coding change: c.282_283del on transcript NM_001034853.2 (MANE Select); coding-DNA positions 282 to 283, 2 bases deleted (TG; older notation c.282_283delTG).
Protein change: p.Cys94fs; shifts the reading frame from cysteine 94.
Molecular consequence: frameshift variant. On other transcripts: non-coding transcript variant (6).
Genome position (GRCh38, 1-based): chrX:38,321,054-38,321,055, CA deleted on the plus strand (TG on the coding strand, the reverse complement: RPGR is on the minus strand); deleting any 2 consecutive bases within chrX:38,321,054-38,321,057 gives the same sequence; the c. name uses the placement nearest the transcript's 3' end. VCF-style (leftmost placement, unchanged base first): chrX-38321053-CCA-C. GRCh37 (hg19) VCF-style: chrX-38180306-CCA-C.
Other names: c.282_283del, p.Cys94fs (NM_000328.3, NM_001367245.1, NM_001367246.1 and 4 more transcripts); c.312_313del, p.Cys104fs (NM_001367248.1); short protein forms C104fs, C94fs.
Identifiers: ClinVar variation 2696760 (VCV002696760.3), dbSNP rs2519902274, ClinGen allele CA2697553055.